The following is an entry in ClinVar:

NM_002692.4(POLE2):c.1400A>G (p.Tyr467Cys)

Gene: POLE2 (DNA polymerase epsilon 2, accessory subunit; minus strand). Cytogenetic location: 14q21.3.
Variant type: single nucleotide variant.
Coding change: c.1400A>G on transcript NM_002692.4 (MANE Select); coding-DNA position 1400, A replaced by G.
Protein change: p.Tyr467Cys; replaces tyrosine 467 with cysteine.
Molecular consequence: missense variant.
Genome position (GRCh38, 1-based): chr14:49,650,362, T>C on the plus strand (A>G on the coding strand, the complement: POLE2 is on the minus strand). VCF-style: chr14-49650362-T-C. GRCh37 (hg19) VCF-style: chr14-50117080-T-C.
Other names: c.1322A>G, p.Tyr441Cys (NM_001197330.2); c.1400A>G, p.Tyr467Cys (NM_001197331.3); c.1397A>G, p.Tyr466Cys (NM_001348384.2); c.1169A>G, p.Tyr390Cys (NM_001348385.2); short protein forms Y467C, Y441C, Y466C, Y390C.
Identifiers: ClinVar variation 1420037 (VCV001420037.7), dbSNP rs539010611, ClinGen allele CA7173280.
Genomic context (GRCh38, chr14:49,650,362, plus strand): 5'-AAAGGATCATATTTGTCTGCAATGACAAGTAGATCGGGCACAGGATACACTCTCAAAGCA[T>C]AGTCATATGCCCAATACACTGGGCAGACATAAAGAGGTAGGGGAGTCAGATGTCCTTGGG-3'
Protein context (NP_002683.2, residues 457-477): YVCPVYWAYD[Tyr467Cys]ALRVYPVPDL

ClinVar aggregate classification (germline): Uncertain significance (1 of 4 stars; one submission).

Allele frequency attached by ClinVar (database versions not stated): gnomAD 0.00001; gnomAD exomes 0.00002; TOPMed 0.00002.
gnomAD v4.1: 28 of 1,609,474 alleles (0.0017%); highest among the groups gnomAD compares: Admixed American, 0.0084%; no homozygotes.

Submission:

Labcorp Genetics (formerly Invitae), Labcorp
Classification: Uncertain significance. Last evaluated: 2023-10-24. Review status: criteria provided, single submitter. Criteria: Invitae Variant Classification Sherloc (09022015). Collection method: clinical testing. Allele origin: germline.
Comment: This sequence change replaces tyrosine, which is neutral and polar, with cysteine, which is neutral and slightly polar, at codon 467 of the POLE2 protein (p.Tyr467Cys). This variant is present in population databases (rs539010611, gnomAD 0.02%). This variant has not been reported in the literature in individuals affected with POLE2-related conditions. ClinVar contains an entry for this variant (Variation ID: 1420037). An algorithm developed to predict the effect of missense changes on protein structure and function (PolyPhen-2) suggests that this variant is likely to be tolerated. In summary, the available evidence is currently insufficient to determine the role of this variant in disease. Therefore, it has been classified as a Variant of Uncertain Significance.